The following is an entry in ClinVar:

ClinVar aggregate classification (germline): Uncertain significance (1 of 4 stars; one submission).

Conditions:
Infantile-onset ascending hereditary spastic paralysis (IAHSP). Also called: Autosomal Recessive Juvenile Amyotrophic Lateral Sclerosis; Infantile-Onset Ascending Hereditary Spastic Paralysis (IAHSP). Identifiers: Orphanet 293168, MedGen C2931441, MONDO:0011797, OMIM 607225. Disease mechanism: loss of function.

Allele frequency attached by ClinVar (database versions not stated): gnomAD exomes below 0.00001.
gnomAD v4.1: 3 of 1,614,166 alleles (0.00019%); highest among the groups gnomAD compares: Non-Finnish European, 0.00025%; no homozygotes.

Submission:

Labcorp Genetics (formerly Invitae), Labcorp
Classification: Uncertain significance for Infantile-onset ascending hereditary spastic paralysis. Last evaluated: 2022-03-20. Review status: criteria provided, single submitter. Criteria: Invitae Variant Classification Sherloc (09022015). Collection method: clinical testing. Allele origin: germline.
Comment: In summary, the available evidence is currently insufficient to determine the role of this variant in disease. Therefore, it has been classified as a Variant of Uncertain Significance. Algorithms developed to predict the effect of missense changes on protein structure and function are either unavailable or do not agree on the potential impact of this missense change (SIFT: "Tolerated"; PolyPhen-2: "Probably Damaging"; Align-GVGD: "Class C0"). This sequence change replaces arginine, which is basic and polar, with histidine, which is basic and polar, at codon 1052 of the ALS2 protein (p.Arg1052His). This variant is not present in population databases (gnomAD no frequency). This variant has not been reported in the literature in individuals affected with ALS2-related conditions.

NM_020919.4(ALS2):c.3155G>A (p.Arg1052His)

Gene: ALS2 (alsin Rho guanine nucleotide exchange factor ALS2; minus strand). Cytogenetic location: 2q33.1.
Variant type: single nucleotide variant.
Coding change: c.3155G>A on transcript NM_020919.4 (MANE Select); coding-DNA position 3155, G replaced by A.
Protein change: p.Arg1052His; replaces arginine 1052 with histidine.
Molecular consequence: missense variant.
Genome position (GRCh38, 1-based): chr2:201,726,691, C>T on the plus strand (G>A on the coding strand, the complement: ALS2 is on the minus strand). VCF-style: chr2-201726691-C-T. GRCh37 (hg19) VCF-style: chr2-202591414-C-T.
Other names: c.3155G>A, p.Arg1052His (NM_001410975.1); short protein forms R1052H.
Identifiers: ClinVar variation 1922346 (VCV001922346.5), dbSNP rs1691183875, ClinGen allele CA350320993.